The following is an entry in ClinVar:

ClinVar aggregate classification (germline): Uncertain significance (1 of 4 stars; one submission).

gnomAD v4.1: 2 of 1,612,006 alleles (0.00012%); highest among the groups gnomAD compares: Middle Eastern, 0.017%; no homozygotes.

Submission:

GeneDx
Classification: Uncertain significance. Last evaluated: 2025-03-04. Review status: criteria provided, single submitter. Criteria: GeneDx Variant Classification Process June 2021. Collection method: clinical testing. Allele origin: germline. Affected: yes.
Comment: Not observed at significant frequency in large population cohorts (gnomAD); In silico analysis indicates that this variant does not alter splicing; Has not been previously published as pathogenic or benign to our knowledge

NM_001354604.2(MITF):c.881-6G>T

Gene: MITF (melanocyte inducing transcription factor; plus strand). Cytogenetic location: 3p13.
Variant type: single nucleotide variant.
Coding change: c.881-6G>T on transcript NM_001354604.2 (MANE Select); 6 bases into the intron before coding-DNA position 881, G replaced by T.
Molecular consequence: intron variant.
Genome position (GRCh38, 1-based): chr3:69,951,806, G>T. VCF-style: chr3-69951806-G-T. GRCh37 (hg19) VCF-style: chr3-70000957-G-T.
Other names: c.830-24G>T (NM_001354607.2); c.725-24G>T (NM_001354608.2, NM_001184967.2); c.881-24G>T (NM_198159.3); c.878-6G>T (NM_001354605.2); c.878-24G>T (NM_001354606.2, NM_006722.3); c.833-24G>T (NM_198177.3); c.560-6G>T (NM_000248.4); c.560-24G>T (NM_198158.3); and 1 more.
Identifiers: ClinVar variation 4082728 (VCV004082728.1).